The following is an entry in ClinVar:

NM_080680.3(COL11A2):c.792G>A (p.Gln264=)

Gene: COL11A2 (collagen type XI alpha 2 chain; minus strand). Cytogenetic location: 6p21.32.
Variant type: single nucleotide variant.
Coding change: c.792G>A on transcript NM_080680.3 (MANE Select); coding-DNA position 792, G replaced by A.
Protein change: p.Gln264=; no amino-acid change (glutamine 264 retained).
Molecular consequence: synonymous variant.
Genome position (GRCh38, 1-based): chr6:33,186,633, C>T on the plus strand (G>A on the coding strand, the complement: COL11A2 is on the minus strand). VCF-style: chr6-33186633-C-T. GRCh37 (hg19) VCF-style: chr6-33154410-C-T.
Other names: c.792G>A, p.Gln264= (NM_001163771.2, NM_080679.3, NM_080681.3); c.792G>A (NM_080680.2).
Identifiers: ClinVar variation 1598523 (VCV001598523.10), dbSNP rs376441071, ClinGen allele CA3751583.

ClinVar aggregate classification (germline): Likely benign. Review status: criteria provided, single submitter (1 of 4 stars). 2 submissions from 2 submitters: Likely benign (1). 1 of the submissions does not count toward it. Last evaluated 2024-10-21.

Conditions:
COL11A2-related disorder. Also called: COL11A2-related condition; COL11A2-related disorders.

Allele frequency attached by ClinVar (database versions not stated): gnomAD exomes below 0.00001; TOPMed below 0.00001; ExAC 0.00001; ESP Exome Variant Server 0.00008.
gnomAD v4.1: 5 of 1,614,128 alleles (0.00031%); highest among the groups gnomAD compares: Non-Finnish European, 0.00042%; no homozygotes.

Submissions (2):

Labcorp Genetics (formerly Invitae), Labcorp
Classification: Likely benign. Last evaluated: 2024-10-21. Review status: criteria provided, single submitter. Criteria: Invitae Variant Classification Sherloc (09022015). Collection method: clinical testing. Allele origin: germline.

PreventionGenetics, part of Exact Sciences
Classification: Likely benign for COL11A2-related condition. Last evaluated: 2020-11-24. Review status: no assertion criteria provided. Collection method: clinical testing. Allele origin: germline. Not counted in ClinVar's aggregate classification.
Comment: This variant is classified as likely benign based on ACMG/AMP sequence variant interpretation guidelines (Richards et al. 2015 PMID: 25741868, with internal and published modifications).